The following is an entry in ClinVar:

ClinVar aggregate classification (germline): Benign/Likely benign. Review status: criteria provided, multiple submitters, no conflicts (2 of 4 stars). 4 submissions from 4 submitters: Benign (2); Likely benign (2). Last evaluated 2025-09-01.

Conditions:
Luscan-Lumish syndrome. Identifiers: Orphanet 597738, MedGen C4085873, MONDO:0014791, OMIM 616831.

Allele frequency attached by ClinVar (database versions not stated): 1000 Genomes Project 30x 0.00016; 1000 Genomes Project 0.00020; ESP Exome Variant Server 0.00031; gnomAD exomes 0.00037; TOPMed 0.00038; ExAC 0.00039; gnomAD 0.00045 and 0.00047.
gnomAD v4.1: 1,179 of 1,613,428 alleles (0.073%); highest among the groups gnomAD compares: Non-Finnish European, 0.096%; 1 homozygote.

Submissions (4):

CeGaT Center for Human Genetics Tuebingen
Classification: Likely benign. Last evaluated: 2025-09-01. Review status: criteria provided, single submitter. Criteria: CeGaT Center For Human Genetics Tuebingen Variant Classification Criteria Version 2. Collection method: clinical testing. Allele origin: germline. Affected: yes. Observed: 6 variant alleles.
Comment: SETD2: BP4, BP7

Labcorp Genetics (formerly Invitae), Labcorp
Classification: Likely benign for Luscan-Lumish syndrome. Last evaluated: 2025-06-09. Review status: criteria provided, single submitter. Criteria: Invitae Variant Classification Sherloc (09022015). Collection method: clinical testing. Allele origin: germline.

Genome-Nilou Lab
Classification: Benign for Luscan-Lumish syndrome. Last evaluated: 2022-03-15. Review status: criteria provided, single submitter. Criteria: ACMG Guidelines, 2015. Collection method: clinical testing. Allele origin: germline. Affected: no.

GeneDx
Classification: Benign. Last evaluated: 2019-10-10. Review status: criteria provided, single submitter. Criteria: GeneDx Variant Classification Process June 2021. Collection method: clinical testing. Allele origin: germline. Affected: yes.

NM_014159.7(SETD2):c.7164C>T (p.Thr2388=)

Gene: SETD2 (SET domain containing 2, histone lysine methyltransferase; minus strand). Cytogenetic location: 3p21.31.
Variant type: single nucleotide variant.
Coding change: c.7164C>T on transcript NM_014159.7 (MANE Select); coding-DNA position 7164, C replaced by T.
Protein change: p.Thr2388=; no amino-acid change (threonine 2388 retained).
Molecular consequence: synonymous variant. On other transcripts: non-coding transcript variant (1).
Genome position (GRCh38, 1-based): chr3:47,042,635, G>A on the plus strand (C>T on the coding strand, the complement: SETD2 is on the minus strand). VCF-style: chr3-47042635-G-A. GRCh37 (hg19) VCF-style: chr3-47084125-G-A.
Other names: c.7032C>T, p.Thr2344= (NM_001349370.3).
Identifiers: ClinVar variation 475538 (VCV000475538.53), dbSNP rs144752494, ClinGen allele CA2362568.